The following is an entry in ClinVar:

ClinVar aggregate classification (germline): Conflicting classifications of pathogenicity. Review status: criteria provided, conflicting classifications (1 of 4 stars). 5 submissions from 5 submitters: Uncertain significance (2); Likely benign (3). Last evaluated 2025-12-15.

Conditions:
Myofibrillar myopathy 3 (MFM3). Also called: Autosomal dominant spheroid body myopathy; Muscular dystrophy, proximal, type 1A. Identifiers: Orphanet 266, Orphanet 268129, MedGen C3714934, MONDO:0012215, OMIM 609200.

Submissions (5):

Women's Health and Genetics/Laboratory Corporation of America, LabCorp
Classification: Likely benign. Last evaluated: 2025-12-15. Review status: criteria provided, single submitter. Criteria: LabCorp Variant Classification Summary - May 2015. Collection method: clinical testing. Allele origin: germline.
Comment: Variant summary: MYOT c.634-14_634-10delGTTTT alters a nucleotide located at a position not widely known to affect splicing. Several computational tools predict a significant impact on normal splicing: One predict the variant no significant impact on splicing. One predict the variant weakens a 3' acceptor site. One predict the variant abolishes a 3' acceptor site. However, these predictions have yet to be confirmed by functional studies. The variant allele was found at a frequency of 9.6e-05 in 250906 control chromosomes. The observed variant frequency exceeds the estimated maximal expected allele frequency for disease-causing variants in MYOT. To our knowledge, no occurrence of c.634-14_634-10delGTTTT in individuals affected with MYOT-related conditions and no experimental evidence demonstrating its impact on protein function have been reported. ClinVar contains an entry for this variant (Variation ID: 288862). Based on the evidence outlined above, the variant was classified as likely benign.

Labcorp Genetics (formerly Invitae), Labcorp
Classification: Likely benign for Myofibrillar myopathy 3. Last evaluated: 2025-11-10. Review status: criteria provided, single submitter. Criteria: Invitae Variant Classification Sherloc (09022015). Collection method: clinical testing. Allele origin: germline.

Blueprint Genetics
Classification: Likely benign. Last evaluated: 2024-02-15. Review status: criteria provided, single submitter. Criteria: ACMG Guidelines, 2015. Collection method: clinical testing. Allele origin: germline.

GeneDx
Classification: Uncertain significance. Last evaluated: 2022-06-28. Review status: criteria provided, single submitter. Criteria: GeneDx Variant Classification Process June 2021. Collection method: clinical testing. Allele origin: germline. Affected: yes.
Comment: In-silico analysis is inconclusive as to whether the variant alters gene splicing. In the absence of RNA/functional studies, the actual effect of this sequence change is unknown.; Has not been previously published as pathogenic or benign to our knowledge; This variant is associated with the following publications: (PMID: 30564623)

Eurofins Ntd Llc (ga)
Classification: Uncertain significance. Last evaluated: 2016-06-19. Review status: criteria provided, single submitter. Criteria: EGL Classification Definitions 2015. Collection method: clinical testing. Allele origin: germline. Observed: 1 variant allele, 1 heterozygote.

NM_006790.3(MYOT):c.634-14_634-10del

Genes: PKD2L2-DT (PKD2L2 divergent transcript; minus strand), MYOT (myotilin; plus strand). Cytogenetic location: 5q31.2.
Variant type: Deletion.
Coding change: c.634-14_634-10del on transcript NM_006790.3 (MANE Select); 14 bases into the intron before coding-DNA position 634 through 10 bases into the intron before coding-DNA position 634, 5 bases deleted (GTTTT; older notation c.634-14_634-10delGTTTT).
Molecular consequence: intron variant.
Genome position (GRCh38, 1-based): chr5:137,880,802-137,880,806, GTTTT deleted; deleting any 5 consecutive bases within chr5:137,880,799-137,880,806 gives the same sequence; the c. name uses the placement nearest the transcript's 3' end. VCF-style (leftmost placement, unchanged base first): chr5-137880798-CTTTGT-C. GRCh37 (hg19) VCF-style: chr5-137216487-CTTTGT-C.
Other names: c.289-14_289-10del (NM_001300911.2); c.82-14_82-10del (NM_001135940.2); c.634-14_634-10delGTTTT (NM_006790.3).
Identifiers: ClinVar variation 288862 (VCV000288862.16), dbSNP rs747808820, ClinGen allele CA3422985.